The following is an entry in ClinVar:

ClinVar aggregate classification (germline): Uncertain significance. Review status: criteria provided, multiple submitters, no conflicts (2 of 4 stars). 3 submissions from 3 submitters: Uncertain significance (3). Last evaluated 2022-06-21.

Conditions:
Inborn genetic diseases. Identifiers: MedGen C0950123, MeSH D030342.
Temtamy preaxial brachydactyly syndrome (TPBS). Identifiers: Orphanet 363417, MedGen C1854466, MONDO:0011533, OMIM 605282.

Allele frequency attached by ClinVar (database versions not stated): gnomAD exomes below 0.00001 and 0.00001; ExAC 0.00001.
gnomAD v4.1: 10 of 1,614,220 alleles (0.00062%); highest among the groups gnomAD compares: South Asian, 0.0011%; no homozygotes.

Submissions (3):

Ambry Genetics
Classification: Uncertain significance for Inborn genetic diseases. Last evaluated: 2022-06-21. Review status: criteria provided, single submitter. Criteria: Ambry Variant Classification Scheme 2023. Collection method: clinical testing. Allele origin: germline.

Labcorp Genetics (formerly Invitae), Labcorp
Classification: Uncertain significance for Temtamy preaxial brachydactyly syndrome. Last evaluated: 2021-01-04. Review status: criteria provided, single submitter. Criteria: Invitae Variant Classification Sherloc (09022015). Collection method: clinical testing. Allele origin: germline.
Comment: This sequence change replaces histidine with arginine at codon 329 of the CHSY1 protein (p.His329Arg). The histidine residue is moderately conserved and there is a small physicochemical difference between histidine and arginine. This variant is present in population databases (rs774636195, ExAC 0.006%). This variant has not been reported in the literature in individuals with CHSY1-related conditions. ClinVar contains an entry for this variant (Variation ID: 287368). Algorithms developed to predict the effect of missense changes on protein structure and function (SIFT, PolyPhen-2, Align-GVGD) all suggest that this variant is likely to be tolerated, but these predictions have not been confirmed by published functional studies and their clinical significance is uncertain. In summary, the available evidence is currently insufficient to determine the role of this variant in disease. Therefore, it has been classified as a Variant of Uncertain Significance.

Eurofins Ntd Llc (ga)
Classification: Uncertain significance. Last evaluated: 2016-04-20. Review status: criteria provided, single submitter. Criteria: EGL Classification Definitions 2015. Collection method: clinical testing. Allele origin: germline. Observed: 1 variant allele, 1 heterozygote.

NM_014918.5(CHSY1):c.986A>G (p.His329Arg)

Gene: CHSY1 (chondroitin sulfate synthase 1; minus strand). Cytogenetic location: 15q26.3.
Variant type: single nucleotide variant.
Coding change: c.986A>G on transcript NM_014918.5 (MANE Select); coding-DNA position 986, A replaced by G.
Protein change: p.His329Arg; replaces histidine 329 with arginine.
Molecular consequence: missense variant.
Genome position (GRCh38, 1-based): chr15:101,178,811, T>C on the plus strand (A>G on the coding strand, the complement: CHSY1 is on the minus strand). VCF-style: chr15-101178811-T-C. GRCh37 (hg19) VCF-style: chr15-101719016-T-C.
Other names: c.986A>G (NM_014918.4); short protein forms H329R.
Identifiers: ClinVar variation 287368 (VCV000287368.13), dbSNP rs774636195, ClinGen allele CA7762617.